The following is an entry in ClinVar:

NM_000540.3(RYR1):c.998T>C (p.Met333Thr)

Gene: RYR1 (ryanodine receptor 1; plus strand). Cytogenetic location: 19q13.2.
Variant type: single nucleotide variant.
Coding change: c.998T>C on transcript NM_000540.3 (MANE Select); coding-DNA position 998, T replaced by C.
Protein change: p.Met333Thr; replaces methionine 333 with threonine.
Molecular consequence: missense variant.
Genome position (GRCh38, 1-based): chr19:38,448,689, T>C. VCF-style: chr19-38448689-T-C. GRCh37 (hg19) VCF-style: chr19-38939329-T-C.
Other names: c.998T>C, p.Met333Thr (NM_001042723.2); short protein forms M333T.
Identifiers: ClinVar variation 3074326 (VCV003074326.1), dbSNP rs1600656748, ClinGen allele CA405682760.
Genomic context (GRCh38, chr19:38,448,689, plus strand): 5'-TGTGTCCCCTGCCCCTGTAGGAGAAGCTGGATGTGGCCCCCAAGCGGGATGTGGAGGGCA[T>C]GGGCCCCCCTGAGATCAAGTACGGGGAGTCACTGTGCTTCGTGCAGCATGTGGCCTCAGG-3'
Protein context (NP_000531.2, residues 323-343): DVAPKRDVEG[Met333Thr]GPPEIKYGES

ClinVar aggregate classification (germline): Uncertain significance (1 of 4 stars; one submission).

Conditions:
Malignant hyperthermia, susceptibility to, 1 (MHS1). Also called: Anesthesia related hyperthermia; Malignant hyperpyrexia; Fulminating hyperpyrexia; Pharmacogenic myopathy; RYR1-Related Malignant Hyperthermia Susceptibility; Malignant hyperthermia suceptibility 1. Identifiers: Orphanet 423, MedGen C2930980, MONDO:0007783, OMIM 145600.

Allele frequency attached by ClinVar (database versions not stated): gnomAD exomes below 0.00001.
gnomAD v4.1: 2 of 1,614,228 alleles (0.00012%); highest among the groups gnomAD compares: Non-Finnish European, 0.00017%; no homozygotes.

Submission:

All of Us Research Program, National Institutes of Health
Classification: Uncertain significance for Malignant hyperthermia, susceptibility to, 1. Last evaluated: 2023-11-02. Review status: criteria provided, single submitter. Criteria: ACMG Guidelines, 2015. Collection method: clinical testing. Allele origin: germline. Inheritance: Autosomal dominant inheritance. Observed: 1 variant allele, 1 heterozygote.
Comment: This missense variant replaces methionine with threonine at codon 333 of the RYR1 protein. Computational prediction suggests that this variant may have deleterious impact on protein structure and function (internally defined REVEL score threshold >= 0.7, PMID: 27666373). To our knowledge, functional studies have not been reported for this variant. This variant has not been reported in individuals affected with RYR1-related disorders in the literature. This variant has not been identified in the general population by the Genome Aggregation Database (gnomAD). The available evidence is insufficient to determine the role of this variant in disease conclusively. Therefore, this variant is classified as a Variant of Uncertain Significance.

This study involves interpretation of variants in research participants for the purpose of population health screening. Participant phenotype was not available at the time of variant classification. Additional details can be found in publication PMID: 35346344, PMCID: PMC8962531